The following is an entry in ClinVar:

NM_000153.4(GALC):c.582+2T>C

Gene: GALC (galactosylceramidase; minus strand). Cytogenetic location: 14q31.3.
Variant type: single nucleotide variant.
Coding change: c.582+2T>C on transcript NM_000153.4 (MANE Select); the canonical splice donor site of the intron after coding-DNA position 582, T replaced by C.
Molecular consequence: splice donor variant.
Genome position (GRCh38, 1-based): chr14:87,984,392, A>G on the plus strand (T>C on the coding strand, the complement: GALC is on the minus strand). VCF-style: chr14-87984392-A-G. GRCh37 (hg19) VCF-style: chr14-88450736-A-G.
Other names: c.504+2T>C (NM_001201402.2); c.513+2T>C (NM_001201401.2).
Identifiers: ClinVar variation 2025142 (VCV002025142.4), dbSNP rs2503509293, ClinGen allele CA390751346.

ClinVar aggregate classification (germline): Likely pathogenic (1 of 4 stars; one submission).

Conditions:
Galactosylceramide beta-galactosidase deficiency. Also called: Krabbe Disease; GALACTOCEREBROSIDASE DEFICIENCY; GALC DEFICIENCY; GLOBOID CELL LEUKOENCEPHALOPATHY; Leukodystrophy, Globoid Cell. Identifiers: Orphanet 487, MedGen C0023521, MONDO:0009499, OMIM 245200.

Submission:

Labcorp Genetics (formerly Invitae), Labcorp
Classification: Likely pathogenic for Galactosylceramide beta-galactosidase deficiency. Last evaluated: 2022-08-20. Review status: criteria provided, single submitter. Criteria: Invitae Variant Classification Sherloc (09022015). Collection method: clinical testing. Allele origin: germline.
Comment: In summary, the currently available evidence indicates that the variant is pathogenic, but additional data are needed to prove that conclusively. Therefore, this variant has been classified as Likely Pathogenic. Algorithms developed to predict the effect of sequence changes on RNA splicing suggest that this variant may disrupt the consensus splice site. Disruption of this splice site has been observed in individual(s) with Krabbe disease (PMID: 31395954). This variant is not present in population databases (gnomAD no frequency). This sequence change affects a donor splice site in intron 5 of the GALC gene. It is expected to disrupt RNA splicing. Variants that disrupt the donor or acceptor splice site typically lead to a loss of protein function (PMID: 16199547), and loss-of-function variants in GALC are known to be pathogenic (PMID: 7437911, 9272171, 16607461).

Literature cited by the submitters: PubMed 31395954; PubMed 16199547; PubMed 7437911; PubMed 9272171; PubMed 16607461.